The following is an entry in ClinVar:

NM_000161.3(GCH1):c.13C>G (p.Pro5Ala)

Genes: GCH1 (GTP cyclohydrolase 1; minus strand), LOC130055692 (ATAC-STARR-seq lymphoblastoid silent region 5776; plus strand). Cytogenetic location: 14q22.2.
Variant type: single nucleotide variant.
Coding change: c.13C>G on transcript NM_000161.3 (MANE Select); coding-DNA position 13, C replaced by G.
Protein change: p.Pro5Ala; replaces proline 5 with alanine.
Molecular consequence: missense variant.
Genome position (GRCh38, 1-based): chr14:54,902,651, G>C on the plus strand (C>G on the coding strand, the complement: GCH1 is on the minus strand). VCF-style: chr14-54902651-G-C. GRCh37 (hg19) VCF-style: chr14-55369369-G-C.
Other names: c.13C>G, p.Pro5Ala (NM_001024024.2, NM_001024070.2, NM_001024071.2); short protein forms P5A.
Identifiers: ClinVar variation 939309 (VCV000939309.10), dbSNP rs2040587976, ClinGen allele CA389794942.

ClinVar aggregate classification (germline): Uncertain significance (1 of 4 stars; one submission).

Conditions:
GTP cyclohydrolase I deficiency. Identifiers: MedGen C0268467, MONDO:0100184.
Dystonia 5 (DRD). Also called: Dystonia, DOPA-responsive, with or without hyperphenylalaninemia; GTP Cyclohydrolase 1-Deficient Dopa-Responsive Dystonia; DYSTONIA, PROGRESSIVE, WITH DIURNAL VARIATION; DYSTONIA-PARKINSONISM WITH DIURNAL FLUCTUATION; DYT-GCH1. Identifiers: Orphanet 98808, MedGen C1851920, MONDO:0007495, OMIM 128230.

gnomAD v4.1: 2 of 1,476,612 alleles (0.00014%); highest among the groups gnomAD compares: South Asian, 0.0026%; no homozygotes.

Submission:

Labcorp Genetics (formerly Invitae), Labcorp
Classification: Uncertain significance for GTP cyclohydrolase I deficiency; Dystonia 5. Last evaluated: 2019-05-18. Review status: criteria provided, single submitter. Criteria: Invitae Variant Classification Sherloc (09022015). Collection method: clinical testing. Allele origin: germline.
Comment: The frequency data for this variant in the population databases is considered unreliable, as metrics indicate insufficient coverage at this position in the ExAC database. This variant has not been reported in the literature in individuals with GCH1-related conditions. Algorithms developed to predict the effect of missense changes on protein structure and function (SIFT, PolyPhen-2, Align-GVGD) all suggest that this variant is likely to be tolerated, but these predictions have not been confirmed by published functional studies and their clinical significance is uncertain. In summary, the available evidence is currently insufficient to determine the role of this variant in disease. Therefore, it has been classified as a Variant of Uncertain Significance. This sequence change replaces proline with alanine at codon 5 of the GCH1 protein (p.Pro5Ala). The proline residue is weakly conserved and there is a small physicochemical difference between proline and alanine.